The following is an entry in ClinVar:

NM_138386.3(NAF1):c.70G>T (p.Gly24Trp)

Gene: NAF1 (nuclear assembly factor 1 ribonucleoprotein; minus strand). Cytogenetic location: 4q32.2.
Variant type: single nucleotide variant.
Coding change: c.70G>T on transcript NM_138386.3 (MANE Select); coding-DNA position 70, G replaced by T.
Protein change: p.Gly24Trp; replaces glycine 24 with tryptophan.
Molecular consequence: missense variant.
Genome position (GRCh38, 1-based): chr4:163,166,658, C>A on the plus strand (G>T on the coding strand, the complement: NAF1 is on the minus strand). VCF-style: chr4-163166658-C-A. GRCh37 (hg19) VCF-style: chr4-164087810-C-A.
Other names: c.70G>T, p.Gly24Trp (NM_001128931.2); short protein forms G24W.
Identifiers: ClinVar variation 3612832 (VCV003612832.2).

ClinVar aggregate classification (germline): Uncertain significance (1 of 4 stars; one submission).

Submission:

Labcorp Genetics (formerly Invitae), Labcorp
Classification: Uncertain significance. Last evaluated: 2024-07-23. Review status: criteria provided, single submitter. Criteria: Invitae Variant Classification Sherloc (09022015). Collection method: clinical testing. Allele origin: germline.
Comment: This sequence change replaces glycine, which is neutral and non-polar, with tryptophan, which is neutral and slightly polar, at codon 24 of the NAF1 protein (p.Gly24Trp). This variant is present in population databases (no rsID available, gnomAD 0.1%). This variant has not been reported in the literature in individuals affected with NAF1-related conditions. An algorithm developed to predict the effect of missense changes on protein structure and function (PolyPhen-2) suggests that this variant is likely to be disruptive. In summary, the available evidence is currently insufficient to determine the role of this variant in disease. Therefore, it has been classified as a Variant of Uncertain Significance.